The following is an entry in ClinVar:

NM_004333.6(BRAF):c.1141-12A>G

Gene: BRAF (B-Raf proto-oncogene, serine/threonine kinase; minus strand). Cytogenetic location: 7q34.
Variant type: single nucleotide variant.
Coding change: c.1141-12A>G on transcript NM_004333.6 (MANE Select); 12 bases into the intron before coding-DNA position 1141, A replaced by G.
Molecular consequence: intron variant.
Genome position (GRCh38, 1-based): chr7:140,787,596, T>C on the plus strand (A>G on the coding strand, the complement: BRAF is on the minus strand). VCF-style: chr7-140787596-T-C. GRCh37 (hg19) VCF-style: chr7-140487396-T-C.
Other names: c.1141-12A>G (NM_001378474.1, NM_001378468.1, NM_001354609.2 and 3 more transcripts); c.1039-12A>G (NM_001378470.1); c.877-12A>G (NM_001378475.1); c.1141-4513A>G (NM_001378471.1); c.1150-12A>G (NM_001378467.1); c.985-12A>G (NM_001378472.1, NM_001378473.1).
Identifiers: ClinVar variation 377568 (VCV000377568.8), dbSNP rs375704079, ClinGen allele CA4516799.

ClinVar aggregate classification (germline): Likely benign. Review status: criteria provided, multiple submitters, no conflicts (2 of 4 stars). 5 submissions from 5 submitters: Likely benign (5). Last evaluated 2025-12-09.

Conditions:
RASopathy. Also called: rasopathies; Noonan spectrum disorder. Identifiers: Orphanet 536391, MedGen C5555857, MONDO:0021060.

Allele frequency attached by ClinVar (database versions not stated): ExAC 0.00002; gnomAD exomes 0.00002; TOPMed 0.00005; ESP Exome Variant Server 0.00008; gnomAD 0.00013 and 0.00014.
gnomAD v4.1: 42 of 1,605,536 alleles (0.0026%); highest among the groups gnomAD compares: African/African-American, 0.02%; no homozygotes.

Submissions (5):

Labcorp Genetics (formerly Invitae), Labcorp
Classification: Likely benign for RASopathy. Last evaluated: 2025-12-09. Review status: criteria provided, single submitter. Criteria: Invitae Variant Classification Sherloc (09022015). Collection method: clinical testing. Allele origin: germline.

Blueprint Genetics
Classification: Likely benign. Last evaluated: 2024-10-07. Review status: criteria provided, single submitter. Criteria: ACMG Guidelines, 2015. Collection method: clinical testing. Allele origin: germline.

Women's Health and Genetics/Laboratory Corporation of America, LabCorp
Classification: Likely benign. Last evaluated: 2023-11-07. Review status: criteria provided, single submitter. Criteria: LabCorp Variant Classification Summary - May 2015. Collection method: clinical testing. Allele origin: germline.
Comment: Variant summary: BRAF c.1141-12A>G alters a non-conserved nucleotide located at a position not widely known to affect splicing. Consensus agreement among computation tools predict no significant impact on normal splicing. However, these predictions have yet to be confirmed by functional studies. The variant allele was found at a frequency of 2.4e-05 in 251188 control chromosomes, predominantly at a frequency of 0.00012 within the African or African-American subpopulation in the gnomAD database. The available data on variant occurrences in the general population are insufficient to allow any conclusion about variant significance. To our knowledge, no occurrence of c.1141-12A>G in individuals affected with Cardiofaciocutaneous Syndrome and no experimental evidence demonstrating its impact on protein function have been reported. Two submitters have cited clinical-significance assessments for this variant to ClinVar after 2014. Both submitters classified the variant as likely benign. Based on the evidence outlined above, the variant was classified as likely benign.

ARUP Laboratories, Molecular Genetics and Genomics, ARUP Laboratories
Classification: Likely benign. Last evaluated: 2023-10-11. Review status: criteria provided, single submitter. Criteria: ARUP Molecular Germline Variant Investigation Process 2024. Collection method: clinical testing. Allele origin: germline.

GeneDx
Classification: Likely benign. Last evaluated: 2016-01-15. Review status: criteria provided, single submitter. Criteria: GeneDx Variant Classification (06012015). Collection method: clinical testing. Allele origin: germline. Affected: yes.
Comment: This variant is considered likely benign or benign based on one or more of the following criteria: it is a conservative change, it occurs at a poorly conserved position in the protein, it is predicted to be benign by multiple in silico algorithms, and/or has population frequency not consistent with disease.